The following is an entry in ClinVar:

ClinVar aggregate classification (germline): Uncertain significance (1 of 4 stars; one submission).

Allele frequency attached by ClinVar (database versions not stated): gnomAD exomes below 0.00001 and 0.00001; ExAC 0.00001.
gnomAD v4.1: 10 of 1,613,660 alleles (0.00062%); highest among the groups gnomAD compares: Non-Finnish European, 0.00076%; no homozygotes.

Submission:

Labcorp Genetics (formerly Invitae), Labcorp
Classification: Uncertain significance. Last evaluated: 2025-07-15. Review status: criteria provided, single submitter. Criteria: Invitae Variant Classification Sherloc (09022015). Collection method: clinical testing. Allele origin: germline.
Comment: This sequence change creates a premature translational stop signal (p.Gln1524*) in the SAMD9 gene. While this is not anticipated to result in nonsense mediated decay, it is expected to disrupt the last 66 amino acid(s) of the SAMD9 protein. This variant is present in population databases (rs757789319, gnomAD 0.0009%). This variant has not been reported in the literature in individuals affected with SAMD9-related conditions. ClinVar contains an entry for this variant (Variation ID: 1512374). Experimental studies and prediction algorithms are not available or were not evaluated, and the functional significance of this variant is currently unknown. In summary, the available evidence is currently insufficient to determine the role of this variant in disease. Therefore, it has been classified as a Variant of Uncertain Significance.

NM_017654.4(SAMD9):c.4570C>T (p.Gln1524Ter)

Gene: SAMD9 (sterile alpha motif domain containing 9; minus strand). Cytogenetic location: 7q21.2.
Variant type: single nucleotide variant.
Coding change: c.4570C>T on transcript NM_017654.4 (MANE Select); coding-DNA position 4570, C replaced by T.
Protein change: p.Gln1524Ter; replaces glutamine 1524 with a stop codon.
Molecular consequence: nonsense.
Genome position (GRCh38, 1-based): chr7:93,101,528, G>A on the plus strand (C>T on the coding strand, the complement: SAMD9 is on the minus strand). VCF-style: chr7-93101528-G-A. GRCh37 (hg19) VCF-style: chr7-92730841-G-A.
Other names: c.4570C>T, p.Gln1524Ter (NM_001193307.2); short protein forms Q1524*.
Identifiers: ClinVar variation 1512374 (VCV001512374.6), dbSNP rs757789319, ClinGen allele CA4342534.
Genomic context (GRCh38, chr7:93,101,528, plus strand): 5'-CATATTCTATATATAAACAATTGTTTTCAGCTCGACCTTGTAAACGAAGCAAAAGTTCTT[G>A]GACTTTTTCCTCCTTCCACACATCTCCACTCTGCCACAAGGAATTAATATCTGGTGTCTT-3'